The following is an entry in ClinVar:

ClinVar aggregate classification (germline): Pathogenic. Review status: criteria provided, multiple submitters, no conflicts (2 of 4 stars). 3 submissions from 3 submitters: Pathogenic (3). Last evaluated 2025-04-18.

Conditions:
Developmental and epileptic encephalopathy, 48 (DEE48). Also called: Epileptic encephalopathy, early infantile, 48. Identifiers: MedGen C4310637, MONDO:0015000, OMIM 617276.

Allele frequency attached by ClinVar (database versions not stated): gnomAD 0.00001; gnomAD exomes below 0.00001.
gnomAD v4.1: 2 of 1,613,602 alleles (0.00012%); highest among the groups gnomAD compares: Non-Finnish European, 0.000085%; no homozygotes.

Submissions (3):

Labcorp Genetics (formerly Invitae), Labcorp
Classification: Pathogenic. Last evaluated: 2025-04-18. Review status: criteria provided, single submitter. Criteria: Invitae Variant Classification Sherloc (09022015). Collection method: clinical testing. Allele origin: germline.
Comment: This sequence change creates a premature translational stop signal (p.Arg958*) in the AP3B2 gene. It is expected to result in an absent or disrupted protein product. Loss-of-function variants in AP3B2 are known to be pathogenic (PMID: 27889060). This variant is not present in population databases (gnomAD no frequency). This premature translational stop signal has been observed in individual(s) with developmental and epileptic encephalopathy (PMID: 27889060). In at least one individual the data is consistent with being in trans (on the opposite chromosome) from a pathogenic variant. ClinVar contains an entry for this variant (Variation ID: 2435024). For these reasons, this variant has been classified as Pathogenic.

GeneDx
Classification: Pathogenic. Last evaluated: 2024-01-02. Review status: criteria provided, single submitter. Criteria: GeneDx Variant Classification Process June 2021. Collection method: clinical testing. Allele origin: germline. Affected: yes.
Comment: Nonsense variant predicted to result in protein truncation or nonsense mediated decay in a gene for which loss of function is a known mechanism of disease; Not observed at significant frequency in large population cohorts (gnomAD); This variant is associated with the following publications: (PMID: 27889060)

Revvity Omics, Revvity
Classification: Pathogenic for Developmental and epileptic encephalopathy, 48. Last evaluated: 2022-11-03. Review status: criteria provided, single submitter. Criteria: ACMG Guidelines, 2015. Collection method: clinical testing. Allele origin: germline.

Literature cited by the submitters: PubMed 27889060 (cited by Labcorp Genetics (formerly Invitae), Labcorp).

NM_001278512.2(AP3B2):c.2929C>T (p.Arg977Ter)

Genes: AP3B2 (adaptor related protein complex 3 subunit beta 2; minus strand), CPEB1-AS1 (CPEB1 antisense RNA 1; plus strand). Cytogenetic location: 15q25.2.
Variant type: single nucleotide variant.
Coding change: c.2929C>T on transcript NM_001278512.2 (MANE Select); coding-DNA position 2929, C replaced by T.
Protein change: p.Arg977Ter; replaces arginine 977 with a stop codon.
Molecular consequence: nonsense.
Genome position (GRCh38, 1-based): chr15:82,661,912, G>A on the plus strand (C>T on the coding strand, the complement: AP3B2 is on the minus strand). VCF-style: chr15-82661912-G-A. GRCh37 (hg19) VCF-style: chr15-83330664-G-A.
Other names: c.2776C>T, p.Arg926Ter (NM_001278511.2); c.61C>T, p.Arg21Ter (NM_001348441.2); c.2872C>T, p.Arg958Ter (NM_004644.5); c.2872C>T (NM_004644.3); short protein forms R21*, R926*, R958*, R977*.
Identifiers: ClinVar variation 2435024 (VCV002435024.6), dbSNP rs2047958031, ClinGen allele CA393306852.